The following is an entry in ClinVar:

ClinVar aggregate classification (germline): Uncertain significance (1 of 4 stars; one submission).

Allele frequency attached by ClinVar (database versions not stated): gnomAD 0.00001; gnomAD exomes 0.00001; TOPMed 0.00001; ExAC 0.00003.
gnomAD v4.1: 18 of 1,613,874 alleles (0.0011%); highest among the groups gnomAD compares: Non-Finnish European, 0.0015%; no homozygotes.

Submission:

Labcorp Genetics (formerly Invitae), Labcorp
Classification: Uncertain significance. Last evaluated: 2022-02-23. Review status: criteria provided, single submitter. Criteria: Invitae Variant Classification Sherloc (09022015). Collection method: clinical testing. Allele origin: germline.
Comment: This sequence change replaces proline, which is neutral and non-polar, with serine, which is neutral and polar, at codon 1145 of the USH2A protein (p.Pro1145Ser). This variant is present in population databases (rs764084647, gnomAD 0.004%). This variant has not been reported in the literature in individuals affected with USH2A-related conditions. Algorithms developed to predict the effect of missense changes on protein structure and function output the following: SIFT: "Tolerated"; PolyPhen-2: "Benign"; Align-GVGD: "Class C0". The serine amino acid residue is found in multiple mammalian species, which suggests that this missense change does not adversely affect protein function. In summary, the available evidence is currently insufficient to determine the role of this variant in disease. Therefore, it has been classified as a Variant of Uncertain Significance.

NM_206933.4(USH2A):c.3433C>T (p.Pro1145Ser)

Genes: USH2A (usherin; minus strand), USH2A-AS1 (USH2A antisense RNA 1; plus strand). Cytogenetic location: 1q41.
Variant type: single nucleotide variant.
Coding change: c.3433C>T on transcript NM_206933.4 (MANE Select); coding-DNA position 3433, C replaced by T.
Protein change: p.Pro1145Ser; replaces proline 1145 with serine.
Molecular consequence: missense variant.
Genome position (GRCh38, 1-based): chr1:216,200,005, G>A on the plus strand (C>T on the coding strand, the complement: USH2A is on the minus strand). VCF-style: chr1-216200005-G-A. GRCh37 (hg19) VCF-style: chr1-216373347-G-A.
Other names: c.3433C>T, p.Pro1145Ser (NM_007123.6); short protein forms P1145S.
Identifiers: ClinVar variation 2194372 (VCV002194372.1), dbSNP rs764084647, ClinGen allele CA1395988.